The following is an entry in ClinVar:

NM_016120.4(RLIM):c.1321G>C (p.Glu441Gln)

Gene: RLIM (ring finger protein, LIM domain interacting; minus strand). Cytogenetic location: Xq13.2.
Variant type: single nucleotide variant.
Coding change: c.1321G>C on transcript NM_016120.4 (MANE Select); coding-DNA position 1321, G replaced by C.
Protein change: p.Glu441Gln; replaces glutamic acid 441 with glutamine.
Molecular consequence: missense variant.
Genome position (GRCh38, 1-based): chrX:74,591,994, C>G on the plus strand (G>C on the coding strand, the complement: RLIM is on the minus strand). VCF-style: chrX-74591994-C-G. GRCh37 (hg19) VCF-style: chrX-73811829-C-G.
Other names: c.1321G>C, p.Glu441Gln (NM_183353.3); short protein forms E441Q.
Identifiers: ClinVar variation 2209735 (VCV002209735.3), dbSNP rs2079618347, ClinGen allele CA413660408.
Genomic context (GRCh38, chrX:74,591,994, plus strand): 5'-AACTCGAACTGGAACCAGAACTACTACCACCACCAGAACCTCCTCTTCCACTCCGTGACT[C>G]TGCCCTTTCCATATTTCGATTTGAGACTGAGCCAGTAGGCTCTGAGTCGCTATCACTGTA-3'
Protein context (NP_057204.2, residues 431-451): SVSNRNMERA[Glu441Gln]SRSGRGGSGG

ClinVar aggregate classification (germline): Uncertain significance. Review status: criteria provided, multiple submitters, no conflicts (2 of 4 stars). 2 submissions from 2 submitters: Uncertain significance (2). Last evaluated 2026-06-25.

Conditions:
RLIM-related disorder. Also called: RLIM-related condition.
Inborn genetic diseases. Identifiers: MedGen C0950123, MeSH D030342.

Allele frequency attached by ClinVar (database versions not stated): TOPMed below 0.00001; gnomAD exomes 0.00001.
gnomAD v4.1: 3 of 1,211,738 alleles (0.00025%); highest among the groups gnomAD compares: Admixed American, 0.0065%; no homozygotes.

Submissions (2):

PreventionGenetics, part of Exact Sciences
Classification: Uncertain significance for RLIM-related condition. Last evaluated: 2026-06-25. Review status: criteria provided, single submitter. Criteria: ACMG Guidelines, 2015. Collection method: clinical testing. Allele origin: germline.
Comment: The RLIM c.1321G>C variant is predicted to result in the amino acid substitution p.Glu441Gln. To our knowledge, this variant has not been reported in the literature or in a large population database (gnomAD), indicating this variant is rare. At this time, the clinical significance of this variant is uncertain due to the absence of conclusive functional and genetic evidence.

Ambry Genetics
Classification: Uncertain significance for Inborn genetic diseases. Last evaluated: 2021-06-04. Review status: criteria provided, single submitter. Criteria: Ambry Variant Classification Scheme 2023. Collection method: clinical testing. Allele origin: germline.
Comment: The c.1321G>C (p.E441Q) alteration is located in exon 5 (coding exon 3) of the RLIM gene. This alteration results from a G to C substitution at nucleotide position 1321, causing the glutamic acid (E) at amino acid position 441 to be replaced by a glutamine (Q). Based on data from the Genome Aggregation Database (gnomAD), the RLIM c.1321G>C alteration was not observed, with coverage at this position. This amino acid position is well conserved in available vertebrate species. The p.E441Q alteration is predicted to be tolerated by in silico analysis. Based on insufficient or conflicting evidence, the clinical significance of this alteration remains unclear.